The following is an entry in ClinVar:

ClinVar aggregate classification (germline): Uncertain significance (1 of 4 stars; one submission).

Allele frequency attached by ClinVar (database versions not stated): gnomAD 0.00001; TOPMed 0.00001.

Submission:

Labcorp Genetics (formerly Invitae), Labcorp
Classification: Uncertain significance. Last evaluated: 2023-04-18. Review status: criteria provided, single submitter. Criteria: Invitae Variant Classification Sherloc (09022015). Collection method: clinical testing. Allele origin: germline.
Comment: Advanced modeling of protein sequence and biophysical properties (such as structural, functional, and spatial information, amino acid conservation, physicochemical variation, residue mobility, and thermodynamic stability) performed at Invitae indicates that this missense variant is not expected to disrupt EXOSC9 protein function. This sequence change replaces methionine, which is neutral and non-polar, with isoleucine, which is neutral and non-polar, at codon 190 of the EXOSC9 protein (p.Met190Ile). The frequency data for this variant in the population databases is considered unreliable, as metrics indicate poor data quality at this position in the gnomAD database. This variant has not been reported in the literature in individuals affected with EXOSC9-related conditions. In summary, the available evidence is currently insufficient to determine the role of this variant in disease. Therefore, it has been classified as a Variant of Uncertain Significance.

NM_005033.3(EXOSC9):c.570G>T (p.Met190Ile)

Gene: EXOSC9 (exosome component 9; plus strand). Cytogenetic location: 4q27.
Variant type: single nucleotide variant.
Coding change: c.570G>T on transcript NM_005033.3 (MANE Select); coding-DNA position 570, G replaced by T.
Protein change: p.Met190Ile; replaces methionine 190 with isoleucine.
Molecular consequence: missense variant.
Genome position (GRCh38, 1-based): chr4:121,807,587, G>T. VCF-style: chr4-121807587-G-T. GRCh37 (hg19) VCF-style: chr4-122728742-G-T.
Other names: c.570G>T, p.Met190Ile (NM_001034194.2); short protein forms M190I.
Identifiers: ClinVar variation 3012287 (VCV003012287.2), dbSNP rs1342899131, ClinGen allele CA358043737.
Genomic context (GRCh38, chr4:121,807,587, plus strand): 5'-TCTTTTGAAACAGTATACACCTGAAGAGCGTGATCCTGTACCATTAAGTATCCACCACAT[G>T]CCCATTTGTGTCAGTTTTGCCTTTTTCCAGCAAGGGTAAGCCTCGCCTTATTATGGGCCA-3'
Protein context (NP_005024.2, residues 180-200): RDPVPLSIHH[Met190Ile]PICVSFAFFQ